The following is an entry in ClinVar:

NM_020750.3(XPO5):c.1388G>C (p.Gly463Ala)

Genes: POLR1C (RNA polymerase I and III subunit C; plus strand), XPO5 (exportin 5; minus strand). Cytogenetic location: 6p21.1.
Variant type: single nucleotide variant.
Coding change: c.1388G>C on transcript NM_020750.3 (MANE Select); coding-DNA position 1388, G replaced by C.
Protein change: p.Gly463Ala; replaces glycine 463 with alanine.
Molecular consequence: missense variant. On other transcripts: non-coding transcript variant (1), intron variant (1).
Genome position (GRCh38, 1-based): chr6:43,555,889, C>G on the plus strand (G>C on the coding strand, the complement: XPO5 is on the minus strand). VCF-style: chr6-43555889-C-G. GRCh37 (hg19) VCF-style: chr6-43523626-C-G.
Other names: c.*42+4878C>G (NM_001363658.2); short protein forms G463A.
Identifiers: ClinVar variation 2062769 (VCV002062769.18), dbSNP rs200605932, ClinGen allele CA3826438.

ClinVar aggregate classification (germline): Conflicting classifications of pathogenicity. Review status: criteria provided, conflicting classifications (1 of 4 stars). 3 submissions from 3 submitters: Uncertain significance (1); Likely benign (1). 1 of the submissions does not count toward it. Last evaluated 2025-10-19.

Conditions:
XPO5-related disorder. Also called: XPO5-related condition.

Allele frequency attached by ClinVar (database versions not stated): ExAC 0.00056; 1000 Genomes Project 30x 0.00094; 1000 Genomes Project 0.00100; TOPMed 0.00226; gnomAD 0.00161; ESP Exome Variant Server 0.00240; gnomAD exomes 0.00015.
gnomAD v4.1: 484 of 1,613,974 alleles (0.03%); highest among the groups gnomAD compares: African/African-American, 0.54%; no homozygotes.

Submissions (3):

Labcorp Genetics (formerly Invitae), Labcorp
Classification: Likely benign. Last evaluated: 2025-10-19. Review status: criteria provided, single submitter. Criteria: Invitae Variant Classification Sherloc (09022015). Collection method: clinical testing. Allele origin: germline.

CeGaT Center for Human Genetics Tuebingen
Classification: Uncertain significance. Last evaluated: 2024-10-01. Review status: criteria provided, single submitter. Criteria: CeGaT Center For Human Genetics Tuebingen Variant Classification Criteria Version 2. Collection method: clinical testing. Allele origin: germline. Affected: yes. Observed: 1 variant allele.
Comment: XPO5: PM2:Supporting, BP4

PreventionGenetics, part of Exact Sciences
Classification: Likely benign for XPO5-related condition. Last evaluated: 2020-04-16. Review status: no assertion criteria provided. Collection method: clinical testing. Allele origin: germline. Not counted in ClinVar's aggregate classification.
Comment: This variant is classified as likely benign based on ACMG/AMP sequence variant interpretation guidelines (Richards et al. 2015 PMID: 25741868, with internal and published modifications).